The following is an entry in ClinVar:

ClinVar aggregate classification (germline): Likely benign. Review status: criteria provided, multiple submitters, no conflicts (2 of 4 stars). 7 submissions from 7 submitters: Likely benign (7). Last evaluated 2025-12-03.

Conditions:
Noonan syndrome and Noonan-related syndrome. Identifiers: Orphanet 98733, MedGen C5681679, MONDO:0020297.
Cardiovascular phenotype. Identifiers: MedGen CN230736.
RASopathy. Also called: rasopathies; Noonan spectrum disorder. Identifiers: Orphanet 536391, MedGen C5555857, MONDO:0021060.

Allele frequency attached by ClinVar (database versions not stated): TOPMed 0.00006; ESP Exome Variant Server 0.00008.
gnomAD v4.1: 88 of 1,613,880 alleles (0.0055%); highest among the groups gnomAD compares: Non-Finnish European, 0.0068%; no homozygotes.

Submissions (7):

Labcorp Genetics (formerly Invitae), Labcorp
Classification: Likely benign for RASopathy. Last evaluated: 2025-12-03. Review status: criteria provided, single submitter. Criteria: Invitae Variant Classification Sherloc (09022015). Collection method: clinical testing. Allele origin: germline.

CeGaT Center for Human Genetics Tuebingen
Classification: Likely benign. Last evaluated: 2025-06-01. Review status: criteria provided, single submitter. Criteria: CeGaT Center For Human Genetics Tuebingen Variant Classification Criteria Version 2. Collection method: clinical testing. Allele origin: germline. Affected: yes. Observed: 1 variant allele.
Comment: BRAF: BP4, BP7

Women's Health and Genetics/Laboratory Corporation of America, LabCorp
Classification: Likely benign. Last evaluated: 2025-02-28. Review status: criteria provided, single submitter. Criteria: LabCorp Variant Classification Summary - May 2015. Collection method: clinical testing. Allele origin: germline.

Ambry Genetics
Classification: Likely benign for Cardiovascular phenotype. Last evaluated: 2022-05-30. Review status: criteria provided, single submitter. Criteria: Ambry Variant Classification Scheme 2023. Collection method: clinical testing. Allele origin: germline.

Blueprint Genetics
Classification: Likely benign. Last evaluated: 2021-09-13. Review status: criteria provided, single submitter. Criteria: ACMG Guidelines, 2015. Collection method: clinical testing. Allele origin: germline.

Genome Diagnostics Laboratory, The Hospital for Sick Children
Classification: Likely benign for Noonan syndrome and Noonan-related syndrome. Last evaluated: 2021-03-23. Review status: criteria provided, single submitter. Criteria: ACMG Guidelines, 2015. Collection method: clinical testing. Allele origin: germline.

Laboratory for Molecular Medicine, Mass General Brigham Personalized Medicine
Classification: Likely benign. Last evaluated: 2011-11-25. Review status: criteria provided, single submitter. Criteria: LMM Criteria. Collection method: clinical testing. Allele origin: germline. Observed: 1 variant allele.
Comment: This variant is not expected to have clinical significance because it does not a lter an amino acid residue and is not located within the splice consensus sequen ce.

Literature cited by the submitters: PubMed 24920063 (cited by Women's Health and Genetics/Laboratory Corporation of America, LabCorp); PubMed 26732095 (cited by Women's Health and Genetics/Laboratory Corporation of America, LabCorp); PubMed 28947956 (cited by Women's Health and Genetics/Laboratory Corporation of America, LabCorp).

NM_004333.6(BRAF):c.1203C>T (p.Thr401=)

Gene: BRAF (B-Raf proto-oncogene, serine/threonine kinase; minus strand). Cytogenetic location: 7q34.
Variant type: single nucleotide variant.
Coding change: c.1203C>T on transcript NM_004333.6 (MANE Select); coding-DNA position 1203, C replaced by T.
Protein change: p.Thr401=; no amino-acid change (threonine 401 retained).
Molecular consequence: synonymous variant. On other transcripts: intron variant (2).
Genome position (GRCh38, 1-based): chr7:140,783,132, G>A on the plus strand (C>T on the coding strand, the complement: BRAF is on the minus strand). VCF-style: chr7-140783132-G-A. GRCh37 (hg19) VCF-style: chr7-140482932-G-A.
Other names: c.1203C>T, p.Thr401= (NM_001354609.2, NM_001378468.1, NM_001378474.1); c.1323C>T, p.Thr441= (NM_001374244.1, NM_001374258.1); c.1212C>T, p.Thr404= (NM_001378467.1); c.1101C>T, p.Thr367= (NM_001378470.1); c.1047C>T, p.Thr349= (NM_001378472.1, NM_001378473.1); c.939C>T, p.Thr313= (NM_001378475.1); c.1141-49C>T (NM_001378471.1); c.1178-41C>T (NM_001378469.1).
Identifiers: ClinVar variation 44796 (VCV000044796.27), dbSNP rs370130654, ClinGen allele CA135052.
Genomic context (GRCh38, chr7:140,783,132, plus strand): 5'-TCCTGGAGATTTCTGTAAGGCTTTCACGTTAGTTAGTGAGCCAGGTAATGAGGCAGGGGG[G>A]GTAGCAGACAAACCTGTGGTTGATCCTAAATTAGTGAAAAGAAAAATGTATACATTAAGG-3'
Protein context (NP_004324.2, residues 391-411): DGGSTTGLSA[Thr401=]PPASLPGSLT